The following is an entry in ClinVar:

ClinVar aggregate classification (germline): Pathogenic (1 of 4 stars; one submission).

Submission:

GeneDx
Classification: Pathogenic. Last evaluated: 2019-06-24. Review status: criteria provided, single submitter. Criteria: GeneDx Variant Classification Process June 2021. Collection method: clinical testing. Allele origin: germline. Affected: yes.
Comment: Nonsense variant predicted to result in protein truncation or nonsense mediated decay in a gene for which loss-of-function is a known mechanism of disease; Not observed in large population cohorts (Lek et al., 2016); This variant is associated with the following publications: (PMID: 25525159, 18691168)

NM_000132.4(F8):c.4473C>A (p.Tyr1491Ter)

Gene: F8 (coagulation factor VIII; minus strand). Cytogenetic location: Xq28.
Variant type: single nucleotide variant.
Coding change: c.4473C>A on transcript NM_000132.4 (MANE Select); coding-DNA position 4473, C replaced by A.
Protein change: p.Tyr1491Ter; replaces tyrosine 1491 with a stop codon.
Molecular consequence: nonsense.
Genome position (GRCh38, 1-based): chrX:154,929,317, G>T on the plus strand (C>A on the coding strand, the complement: F8 is on the minus strand). VCF-style: chrX-154929317-G-T. GRCh37 (hg19) VCF-style: chrX-154157592-G-T.
Other names: short protein forms Y1491*.
Identifiers: ClinVar variation 449368 (VCV000449368.4), dbSNP rs1557278411, ClinGen allele CA414918004.